The following is an entry in ClinVar:

ClinVar aggregate classification (germline): Conflicting classifications of pathogenicity. Review status: criteria provided, conflicting classifications (1 of 4 stars). 10 submissions from 10 submitters: Uncertain significance (7); Likely benign (1). 2 of the submissions do not count toward it. Last evaluated 2026-07-13.

Conditions:
BRCA2-related cancer predisposition. Identifiers: MedGen CN377758, MONDO:0700269.
BRCA2-related disorder. Also called: BRCA2-related condition; BRCA2-related disorders. Identifiers: MedGen CN239275.
Hereditary cancer-predisposing syndrome. Also called: Hereditary Cancer Syndrome; Tumor predisposition; Neoplastic Syndromes, Hereditary; Hereditary neoplastic syndrome. Identifiers: Orphanet 140162, MedGen C0027672, MeSH D009386, MONDO:0015356.
Hereditary breast ovarian cancer syndrome. Also called: Hereditary breast and ovarian cancer syndrome; Hereditary breast and/or ovarian cancer syndrome; Hereditary breast and ovarian cancer; Hereditary breast and ovarian cancer syndrome (HBOC); Breast and ovarian cancer; BRCA1- and BRCA2-Associated Hereditary Breast and Ovarian Cancer. Identifiers: Orphanet 145, MedGen C0677776, MeSH D061325, MONDO:0003582. Disease mechanism: loss of function.
Breast-ovarian cancer, familial, susceptibility to, 2 (BROVCA2). Also called: BRCA2 Hereditary Breast and Ovarian Cancer. Identifiers: Orphanet 145, MedGen C2675520, MONDO:0012933, OMIM 612555. Disease mechanism: loss of function.

Allele frequency attached by ClinVar (database versions not stated): TOPMed below 0.00001; gnomAD 0.00002.
gnomAD v4.1: 3 of 1,613,594 alleles (0.00019%); highest among the groups gnomAD compares: African/African-American, 0.004%; no homozygotes.

Submissions (10):

PreventionGenetics, part of Exact Sciences
Classification: Uncertain significance for BRCA2-related condition. Last evaluated: 2026-07-13. Review status: criteria provided, single submitter. Criteria: ACMG Guidelines, 2015. Collection method: clinical testing. Allele origin: germline.
Comment: The BRCA2 c.2822T>G variant is predicted to result in the amino acid substitution p.Val941Gly. To our knowledge, this variant has not been reported in the literature. This variant is reported in 0.011% of alleles in individuals of African descent in gnomAD and has conflicting interpretations of pathogenicity in ClinVar of uncertain and likely benign (Variation ID: 91788). This variant occurs within a region of the BRCA2 gene that is predicted to be tolerant to missense variation (Table 2, Dines et al. 2020. PubMed ID: 31911673). Although we suspect that this variant may be benign, at this time, the clinical significance of this variant is uncertain due to the absence of conclusive functional and genetic evidence.

Women's Health and Genetics/Laboratory Corporation of America, LabCorp
Classification: Uncertain significance. Last evaluated: 2025-11-05. Review status: criteria provided, single submitter. Criteria: LabCorp Variant Classification Summary - May 2015. Collection method: clinical testing. Allele origin: germline.

Labcorp Genetics (formerly Invitae), Labcorp
Classification: Uncertain significance for Hereditary breast ovarian cancer syndrome. Last evaluated: 2025-10-05. Review status: criteria provided, single submitter. Criteria: Invitae Variant Classification Sherloc (09022015). Collection method: clinical testing. Allele origin: germline.
Comment: This sequence change replaces valine, which is neutral and non-polar, with glycine, which is neutral and non-polar, at codon 941 of the BRCA2 protein (p.Val941Gly). This variant is present in population databases (rs398122754, gnomAD 0.01%). This variant has not been reported in the literature in individuals affected with BRCA2-related conditions. ClinVar contains an entry for this variant (Variation ID: 91788). Invitae Evidence Modeling of protein sequence and biophysical properties (such as structural, functional, and spatial information, amino acid conservation, physicochemical variation, residue mobility, and thermodynamic stability) indicates that this missense variant is not expected to disrupt BRCA2 protein function with a negative predictive value of 95%. In summary, the available evidence is currently insufficient to determine the role of this variant in disease. Therefore, it has been classified as a Variant of Uncertain Significance.

Quest Diagnostics Nichols Institute San Juan Capistrano
Classification: Uncertain significance. Last evaluated: 2025-08-26. Review status: criteria provided, single submitter. Criteria: Quest Diagnostics criteria. Collection method: clinical testing. Allele origin: unknown.
Comment: The BRCA2 c.2822T>G (p.Val941Gly) variant has been reported to be located in a region of the BRCA2 gene that is tolerant to missense sequence changes (PMID: 31911673 (2020)). To the best of our knowledge, this variant has not been reported in individuals with BRCA2-related disorders in the published literature. The frequency of this variant in the general population (Genome Aggregation Database) is uninformative in the assessment of its pathogenicity. Analysis of this variant using bioinformatics tools for the prediction of the effect of amino acid changes on protein structure and function yielded predictions that this variant is benign. Based on the available information, we are unable to determine the clinical significance of this variant.

Ambry Genetics
Classification: Uncertain significance for Hereditary cancer-predisposing syndrome. Last evaluated: 2025-07-13. Review status: criteria provided, single submitter. Criteria: Ambry Variant Classification Scheme 2023. Collection method: clinical testing. Allele origin: germline.
Comment: The p.V941G variant (also known as c.2822T>G), located in coding exon 10 of the BRCA2 gene, results from a T to G substitution at nucleotide position 2822. The valine at codon 941 is replaced by glycine, an amino acid with dissimilar properties. This amino acid position is not well conserved in available vertebrate species. In addition, this alteration is predicted to be tolerated by in silico analysis. Since supporting evidence is limited at this time, the clinical significance of this alteration remains unclear.

All of Us Research Program, National Institutes of Health
Classification: Uncertain significance for BRCA2-related cancer predisposition. Last evaluated: 2024-06-09. Review status: criteria provided, single submitter. Criteria: ACMG Guidelines, 2015. Collection method: clinical testing. Allele origin: germline. Inheritance: Autosomal dominant inheritance. Observed: 1 variant allele, 1 heterozygote.
Comment: This missense variant replaces valine with glycine at codon 941 of the BRCA2 protein. Computational prediction suggests that this variant may not impact protein structure and function (internally defined REVEL score threshold <= 0.5, PMID: 27666373). To our knowledge, functional studies have not been reported for this variant. This variant has not been reported in individuals affected with hereditary cancer in the literature. This variant has been identified in 1/31374 chromosomes in the general population by the Genome Aggregation Database (gnomAD). The available evidence is insufficient to determine the role of this variant in disease conclusively. Therefore, this variant is classified as a Variant of Uncertain Significance.

This study involves interpretation of variants in research participants for the purpose of population health screening. Participant phenotype was not available at the time of variant classification. Additional details can be found in publication PMID: 35346344, PMCID: PMC8962531

University of Washington Department of Laboratory Medicine, University of Washington
Classification: Likely benign for Hereditary cancer-predisposing syndrome. Last evaluated: 2023-03-23. Review status: criteria provided, single submitter. Criteria: Dines et al. (Genet Med. 2020). Collection method: curation. Allele origin: germline.
Comment: Missense variant in a coldspot region where missense variants are very unlikely to be pathogenic (PMID:31911673).

BRCA2 exon 11 coldspot. Reclassification based on statistical prior probability.

GeneDx
Classification: Uncertain significance. Last evaluated: 2022-06-09. Review status: criteria provided, single submitter. Criteria: GeneDx Variant Classification Process June 2021. Collection method: clinical testing. Allele origin: germline. Affected: yes.
Comment: Not observed at significant frequency in large population cohorts (gnomAD); In silico analysis supports that this missense variant has a deleterious effect on protein structure/function; Has not been previously published as pathogenic or benign to our knowledge; Also known as 3050T>G

Counsyl
Classification: Uncertain significance for Breast-ovarian cancer, familial, susceptibility to, 2. Last evaluated: 2018-02-12. Review status: no assertion criteria provided. Collection method: clinical testing. Allele origin: unknown. Not counted in ClinVar's aggregate classification.

Sharing Clinical Reports Project (SCRP)
Classification: Uncertain significance for Breast-ovarian cancer, familial 2. Last evaluated: 2011-02-15. Review status: no assertion criteria provided. Collection method: clinical testing. Allele origin: germline. Not counted in ClinVar's aggregate classification.

Literature cited by the submitters: PubMed 31911673 (cited by Quest Diagnostics Nichols Institute San Juan Capistrano).

NM_000059.4(BRCA2):c.2822T>G (p.Val941Gly)

Gene: BRCA2 (BRCA2 DNA repair associated; plus strand). Cytogenetic location: 13q13.1.
Variant type: single nucleotide variant.
Coding change: c.2822T>G on transcript NM_000059.4 (MANE Select); coding-DNA position 2822, T replaced by G.
Protein change: p.Val941Gly; replaces valine 941 with glycine.
Molecular consequence: missense variant.
Genome position (GRCh38, 1-based): chr13:32,337,177, T>G. VCF-style: chr13-32337177-T-G. GRCh37 (hg19) VCF-style: chr13-32911314-T-G.
Other names: 3050T>G; short protein forms V941G.
Identifiers: ClinVar variation 91788 (VCV000091788.25), dbSNP rs398122754, ClinGen allele CA016510.